The following is an entry in ClinVar:

NM_000059.4(BRCA2):c.5606G>A (p.Ser1869Asn)

Gene: BRCA2 (BRCA2 DNA repair associated; plus strand). Cytogenetic location: 13q13.1.
Variant type: single nucleotide variant.
Coding change: c.5606G>A on transcript NM_000059.4 (MANE Select); coding-DNA position 5606, G replaced by A.
Protein change: p.Ser1869Asn; replaces serine 1869 with asparagine.
Molecular consequence: missense variant.
Genome position (GRCh38, 1-based): chr13:32,339,961, G>A. VCF-style: chr13-32339961-G-A. GRCh37 (hg19) VCF-style: chr13-32914098-G-A.
Other names: short protein forms S1869N.
Identifiers: ClinVar variation 531436 (VCV000531436.22), dbSNP rs1555284296, ClinGen allele CA387786072.

ClinVar aggregate classification (germline): Conflicting classifications of pathogenicity. Review status: criteria provided, conflicting classifications (1 of 4 stars). 5 submissions from 5 submitters: Uncertain significance (3); Likely benign (2). Last evaluated 2025-03-04.

Conditions:
Hereditary breast ovarian cancer syndrome. Also called: Hereditary breast and ovarian cancer syndrome (HBOC); BRCA1- and BRCA2-Associated Hereditary Breast and Ovarian Cancer; Hereditary breast and ovarian cancer syndrome; Breast and ovarian cancer; Hereditary breast and ovarian cancer; Hereditary breast and/or ovarian cancer syndrome. Identifiers: Orphanet 145, MedGen C0677776, MeSH D061325, MONDO:0003582. Disease mechanism: loss of function.
Hereditary cancer-predisposing syndrome. Also called: Hereditary neoplastic syndrome; Neoplastic Syndromes, Hereditary; Tumor predisposition; Hereditary Cancer Syndrome. Identifiers: Orphanet 140162, MedGen C0027672, MeSH D009386, MONDO:0015356.

Allele frequency attached by ClinVar (database versions not stated): gnomAD exomes below 0.00001.
gnomAD v4.1: 1 of 1,610,202 alleles (0.000062%); highest among the groups gnomAD compares: Non-Finnish European, 0.000085%; no homozygotes.

Submissions (5):

Center for Genomic Medicine, Rigshospitalet, Copenhagen University Hospital
Classification: Uncertain significance. Last evaluated: 2025-03-04. Review status: criteria provided, single submitter. Criteria: ACMG Guidelines, 2015. Collection method: clinical testing. Allele origin: germline.

Labcorp Genetics (formerly Invitae), Labcorp
Classification: Uncertain significance for Hereditary breast ovarian cancer syndrome. Last evaluated: 2024-07-01. Review status: criteria provided, single submitter. Criteria: Invitae Variant Classification Sherloc (09022015). Collection method: clinical testing. Allele origin: germline.
Comment: This sequence change replaces serine, which is neutral and polar, with asparagine, which is neutral and polar, at codon 1869 of the BRCA2 protein (p.Ser1869Asn). This variant is not present in population databases (gnomAD no frequency). This variant has not been reported in the literature in individuals affected with BRCA2-related conditions. ClinVar contains an entry for this variant (Variation ID: 531436). Advanced modeling of protein sequence and biophysical properties (such as structural, functional, and spatial information, amino acid conservation, physicochemical variation, residue mobility, and thermodynamic stability) performed at Invitae indicates that this missense variant is not expected to disrupt BRCA2 protein function with a negative predictive value of 95%. In summary, the available evidence is currently insufficient to determine the role of this variant in disease. Therefore, it has been classified as a Variant of Uncertain Significance.

University of Washington Department of Laboratory Medicine, University of Washington
Classification: Likely benign for Hereditary cancer-predisposing syndrome. Last evaluated: 2023-03-23. Review status: criteria provided, single submitter. Criteria: Dines et al. (Genet Med. 2020). Collection method: curation. Allele origin: germline.
Comment: Missense variant in a coldspot region where missense variants are very unlikely to be pathogenic (PMID:31911673).

BRCA2 exon 11 coldspot. Reclassification based on statistical prior probability.

Color Diagnostics, LLC DBA Color Health
Classification: Uncertain significance for Hereditary cancer-predisposing syndrome. Last evaluated: 2019-05-30. Review status: criteria provided, single submitter. Criteria: ACMG Guidelines, 2015. Collection method: clinical testing. Allele origin: germline.

Ambry Genetics
Classification: Likely benign for Hereditary cancer-predisposing syndrome. Last evaluated: 2018-11-02. Review status: criteria provided, single submitter. Criteria: Ambry Variant Classification Scheme 2023. Collection method: clinical testing. Allele origin: germline.